The following is an entry in ClinVar:

ClinVar aggregate classification (germline): Conflicting classifications of pathogenicity. Review status: criteria provided, conflicting classifications (1 of 4 stars). 8 submissions from 8 submitters: Uncertain significance (6); Likely benign (1). 1 of the submissions does not count toward it. Last evaluated 2026-02-03.

Conditions:
Hereditary cancer-predisposing syndrome. Also called: Hereditary Cancer Syndrome; Hereditary neoplastic syndrome; Neoplastic Syndromes, Hereditary; Tumor predisposition. Identifiers: Orphanet 140162, MedGen C0027672, MeSH D009386, MONDO:0015356.
Familial cancer of breast. Also called: BREAST CANCER, FAMILIAL; Hereditary breast cancer; hereditary breast carcinoma. Identifiers: Orphanet 227535, MedGen C0346153, MONDO:0016419, OMIM 114480. Disease mechanism: loss of function.
Malignant tumor of breast. Also called: Malignant breast neoplasm; Cancer breast. Identifiers: MedGen C0006142, MONDO:0007254. Disease mechanism: loss of function.

Allele frequency attached by ClinVar (database versions not stated): ExAC 0.00001; gnomAD 0.00001; gnomAD exomes 0.00001 and 0.00003; TOPMed 0.00001.
gnomAD v4.1: 8 of 1,614,096 alleles (0.0005%); highest among the groups gnomAD compares: Admixed American, 0.012%; 1 homozygote.

Submissions (8):

Labcorp Genetics (formerly Invitae), Labcorp
Classification: Uncertain significance for Familial cancer of breast. Last evaluated: 2026-02-03. Review status: criteria provided, single submitter. Criteria: Invitae Variant Classification Sherloc (09022015). Collection method: clinical testing. Allele origin: germline.
Comment: This sequence change replaces threonine, which is neutral and polar, with alanine, which is neutral and non-polar, at codon 719 of the BARD1 protein (p.Thr719Ala). This variant is present in population databases (rs771852699, gnomAD 0.02%). This missense change has been observed in individual(s) with colorectal cancer (PMID: 28135145). ClinVar contains an entry for this variant (Variation ID: 406754). An algorithm developed to predict the effect of missense changes on protein structure and function (PolyPhen-2) suggests that this variant is likely to be disruptive. Experimental studies are conflicting or provide insufficient evidence to determine the effect of this variant on BARD1 function (PMID: 30925164). In summary, the available evidence is currently insufficient to determine the role of this variant in disease. Therefore, it has been classified as a Variant of Uncertain Significance.

Quest Diagnostics Nichols Institute San Juan Capistrano
Classification: Uncertain significance. Last evaluated: 2025-02-28. Review status: criteria provided, single submitter. Criteria: Quest Diagnostics criteria. Collection method: clinical testing. Allele origin: unknown.
Comment: The BARD1 c.2155A>G (p.Thr719Ala) variant has been reported in the published literature in individuals with breast cancer (PMID: 35264596 (2022), 33471991 (2021), see also LOVD), and an individual with colorectal cancer who carried a pathogenic MLH1 variant (PMID: 28135145 (2017)). Functional studies demonstrated that this variant has an inconclusive effect on protein function (PMID: 30925164 (2019)). The frequency of this variant in the general population (Genome Aggregation Database) is higher than would generally be expected for pathogenic variants in this gene. Analysis of this variant using bioinformatics tools for the prediction of the effect of amino acid changes on protein structure and function yielded predictions that this variant is benign. Based on the available information, we are unable to determine the clinical significance of this variant.

Ambry Genetics
Classification: Likely benign for Hereditary cancer-predisposing syndrome. Last evaluated: 2024-01-30. Review status: criteria provided, single submitter. Criteria: Ambry Variant Classification Scheme 2023. Collection method: clinical testing. Allele origin: germline.

GeneDx
Classification: Uncertain significance. Last evaluated: 2023-06-12. Review status: criteria provided, single submitter. Criteria: GeneDx Variant Classification Process June 2021. Collection method: clinical testing. Allele origin: germline. Affected: yes.
Comment: In silico analysis supports that this missense variant does not alter protein structure/function; Published functional studies demonstrate similar protein production and reduced homology-directed repair (HDR) activity relative to wildtype (Adamovich et al., 2019); This variant is associated with the following publications: (PMID: 25233892, 28135145, 17550235, 26898890, 33471991, 30925164, 35264596)

Color Diagnostics, LLC DBA Color Health
Classification: Uncertain significance for Hereditary cancer-predisposing syndrome. Last evaluated: 2021-04-20. Review status: criteria provided, single submitter. Criteria: ACMG Guidelines, 2015. Collection method: clinical testing. Allele origin: germline.
Comment: This missense variant replaces threonine with alanine at codon 719 of the BARD1 protein. Computational prediction suggests that this variant may not impact protein structure and function (internally defined REVEL score threshold <= 0.5, PMID: 27666373). A functional study has shown that this variant protein leads to homology directed repair activity similar to the wild-type protein in a cell-based assay (PMID: 30925164). This variant has been reported in an individual affected with colorectal cancer, who carried a causative variant in the MLH1 gene (PMID: 28135145). This variant has been identified in 7/251364 chromosomes in the general population by the Genome Aggregation Database (gnomAD). The available evidence is insufficient to determine the role of this variant in disease conclusively. Therefore, this variant is classified as a Variant of Uncertain Significance.

Mendelics
Classification: Uncertain significance for Familial cancer of breast. Last evaluated: 2018-07-02. Review status: criteria provided, single submitter. Criteria: Mendelics Assertion Criteria 2017. Collection method: clinical testing. Allele origin: unknown.

PreventionGenetics, part of Exact Sciences
Classification: Uncertain significance. Last evaluated: 2018-01-10. Review status: criteria provided, single submitter. Criteria: ACMG Guidelines, 2015. Collection method: clinical testing. Allele origin: germline.

Department of Pathology and Laboratory Medicine, Sinai Health System
Classification: Uncertain significance for Malignant tumor of breast. Review status: no assertion criteria provided. Collection method: clinical testing. Allele origin: unknown. Affected: yes. Study: The Canadian Open Genetics Repository (COGR). Not counted in ClinVar's aggregate classification.
Comment: The BARD1 p.Thr719Ala variant was identified in 1 of 2116 proband chromosomes (frequency: 0.0005) from individuals or families with colorectal cancer (Yurgelun 2017). In this proband, the variant co-occurred with a pathogenic MLH1 variant (c.2195_2198dup, p.H733Qfs*14). The variant was also identified in dbSNP (ID: rs771852699) â€šÃ„ÃºWith Uncertain significance alleleâ€šÃ„Ã¹ and ClinVar (classified as uncertain significance by Invitae, Color, Prevention Genetics, and two other submitters). The variant was identified in control databases in 7 of 246128 chromosomes (1 homozygous) at a frequency of 0.00003 (Genome Aggregation Database Feb 27, 2017). The variant was observed in the following populations: Other in 1 of 5482 chromosomes (freq: 0.0002) and Latino in 6 (1 homozygous) of 33580 chromosomes (freq: 0.0002); it was not observed in the African, European, Ashkenazi Jewish, East Asian, Finnish, or South Asian populations. The p.Thr719 residue is conserved in mammals and computational analyses (PolyPhen-2, SIFT, AlignGVGD, BLOSUM, MutationTaster) provide inconsistent predictions regarding the impact to the protein; this information is not very predictive of pathogenicity. The variant occurs outside of the splicing consensus sequence and in silico or computational prediction software programs (SpliceSiteFinder, MaxEntScan, NNSPLICE, GeneSplicer) do not predict a difference in splicing. In summary, based on the above information, the clinical significance of this variant cannot be determined with certainty at this time. This variant is classified as a variant of uncertain significance.

Literature cited by the submitters: PubMed 28135145 (cited by Labcorp Genetics (formerly Invitae), Labcorp and Quest Diagnostics Nichols Institute San Juan Capistrano); PubMed 30925164 (cited by 3 submitters); PubMed 33471991 (cited by Quest Diagnostics Nichols Institute San Juan Capistrano and Ambry Genetics); PubMed 35264596 (cited by Quest Diagnostics Nichols Institute San Juan Capistrano); PubMed 26898890 (cited by Ambry Genetics).

NM_000465.4(BARD1):c.2155A>G (p.Thr719Ala)

Gene: BARD1 (BRCA1 associated RING domain 1; minus strand). Cytogenetic location: 2q35.
Variant type: single nucleotide variant.
Coding change: c.2155A>G on transcript NM_000465.4 (MANE Select); coding-DNA position 2155, A replaced by G.
Protein change: p.Thr719Ala; replaces threonine 719 with alanine.
Molecular consequence: missense variant. On other transcripts: non-coding transcript variant (3).
Genome position (GRCh38, 1-based): chr2:214,728,855, T>C on the plus strand (A>G on the coding strand, the complement: BARD1 is on the minus strand). VCF-style: chr2-214728855-T-C. GRCh37 (hg19) VCF-style: chr2-215593579-T-C.
Other names: c.2098A>G, p.Thr700Ala (NM_001282543.2); c.802A>G, p.Thr268Ala (NM_001282545.2); c.745A>G, p.Thr249Ala (NM_001282548.2); c.616A>G, p.Thr206Ala (NM_001282549.2); short protein forms T719A, T249A, T206A, T268A, T700A.
Identifiers: ClinVar variation 406754 (VCV000406754.25), dbSNP rs771852699, ClinGen allele CA2090071.
Genomic context (GRCh38, chr2:214,728,855, plus strand): 5'-AGATGATATACTGTGTGCAGAAGCGCTGATCAGAATCGGGTCTCGCATGGTATGCGACTG[T>C]ATTGATGGTCTGAGTCACGTCACTGTCTGGCTTGGGCTTTCTACTGAGGATCTGGCCCCC-3'
Protein context (NP_000456.2, residues 709-729): PDSDVTQTIN[Thr719Ala]VAYHARPDSD